The following is an entry in ClinVar:

NM_001130965.3(SUN1):c.2068G>A (p.Ala690Thr)

Gene: SUN1 (Sad1 and UNC84 domain containing 1; plus strand). Cytogenetic location: 7p22.3.
Variant type: single nucleotide variant.
Coding change: c.2068G>A on transcript NM_001130965.3 (MANE Select); coding-DNA position 2068, G replaced by A.
Protein change: p.Ala690Thr; replaces alanine 690 with threonine.
Molecular consequence: missense variant. On other transcripts: non-coding transcript variant (3).
Genome position (GRCh38, 1-based): chr7:869,436, G>A. VCF-style: chr7-869436-G-A. GRCh37 (hg19) VCF-style: chr7-909073-G-A.
Other names: c.2260G>A, p.Ala754Thr (NM_001367643.1); c.1999G>A, p.Ala667Thr (NM_001367644.1); c.2116G>A, p.Ala706Thr (NM_001367645.1, NM_001367681.1); c.2197G>A, p.Ala733Thr (NM_001367646.1, NM_001367707.1); c.2110G>A, p.Ala704Thr (NM_001367647.1, NM_001367668.1); c.1930G>A, p.Ala644Thr (NM_001367648.1); c.2113G>A, p.Ala705Thr (NM_001367649.1); c.2482G>A, p.Ala828Thr (NM_001367651.1); and 43 more; short protein forms A452T, A573T, A664T, A689T, A727T, A734T, A743T, A751T.
Identifiers: ClinVar variation 2207123 (VCV002207123.4), dbSNP rs748866016, ClinGen allele CA4112480.
Genomic context (GRCh38, chr7:869,436, plus strand): 5'-GCATTTAAAGGCTCCCAGGGGTACCTGGTGGTGAGGCTCTCCATGATGATCCACCCAGCC[G>A]CCTTCACTCTGGAGCACATCCCTAAGACGCTGTCGCCAACAGGCAACATCAGCAGCGCCC-3'
Protein context (NP_001124437.1, residues 680-700): VRLSMMIHPA[Ala690Thr]FTLEHIPKTL

ClinVar aggregate classification (germline): Conflicting classifications of pathogenicity. Review status: criteria provided, conflicting classifications (1 of 4 stars). 2 submissions from 2 submitters: Uncertain significance (1); Likely benign (1). Last evaluated 2025-10-07.

Conditions:
Emery-Dreifuss muscular dystrophy (EDMD). Also called: Scapuloperoneal syndrome, X-linked (formerly); Humeroperoneal neuromuscular disease, (formerly). Identifiers: Orphanet 261, MedGen C0410189, MONDO:0016830.

Allele frequency attached by ClinVar (database versions not stated): TOPMed 0.00007; gnomAD exomes 0.00003; ExAC 0.00005; gnomAD 0.00006.
gnomAD v4.1: 54 of 1,613,868 alleles (0.0033%); highest among the groups gnomAD compares: Admixed American, 0.013%; no homozygotes.

Submissions (2):

Labcorp Genetics (formerly Invitae), Labcorp
Classification: Uncertain significance for Emery-Dreifuss muscular dystrophy. Last evaluated: 2025-10-07. Review status: criteria provided, single submitter. Criteria: Invitae Variant Classification Sherloc (09022015). Collection method: clinical testing. Allele origin: germline.
Comment: This sequence change replaces alanine, which is neutral and non-polar, with threonine, which is neutral and polar, at codon 690 of the SUN1 protein (p.Ala690Thr). This variant is present in population databases (rs748866016, gnomAD 0.01%). This variant has not been reported in the literature in individuals affected with SUN1-related conditions. ClinVar contains an entry for this variant (Variation ID: 2207123). An algorithm developed to predict the effect of missense changes on protein structure and function outputs the following: PolyPhen-2: "Probably Damaging". The threonine amino acid residue is found in multiple mammalian species, which suggests that this missense change does not adversely affect protein function. In summary, the available evidence is currently insufficient to determine the role of this variant in disease. Therefore, it has been classified as a Variant of Uncertain Significance.

Ambry Genetics
Classification: Likely benign. Last evaluated: 2021-07-28. Review status: criteria provided, single submitter. Criteria: Ambry Variant Classification Scheme 2023. Collection method: clinical testing. Allele origin: germline.